The following is an entry in ClinVar:

NM_001032382.2(PQBP1):c.759_779dup (p.Arg260_Thr261insAlaAsnAlaGluAlaSerArg)

Gene: PQBP1 (polyglutamine binding protein 1; plus strand). Cytogenetic location: Xp11.23.
Variant type: Duplication.
Coding change: c.759_779dup on transcript NM_001032382.2 (MANE Select); coding-DNA positions 759 to 779, 21 bases duplicated (GGCCAATGCAGAGGCCTCCCG).
Protein change: p.Arg260_Thr261insAlaAsnAlaGluAlaSerArg.
Genome position (GRCh38, 1-based): chrX:48,903,045-48,903,065, GGCCAATGCAGAGGCCTCCCG duplicated; duplicating any 21 consecutive bases within chrX:48,903,042-48,903,065 gives the same sequence; the c. name uses the placement nearest the transcript's 3' end. VCF-style (leftmost placement, unchanged base first): chrX-48903041-T-TCCGGGCCAATGCAGAGGCCTC. GRCh37 (hg19) VCF-style: chrX-48760318-T-TCCGGGCCAATGCAGAGGCCTC.
Other names: c.759_779dup, p.Arg260_Thr261insAlaAsnAlaGluAlaSerArg (NM_001032381.2, NM_001032383.2, NM_001032384.1 and 1 more transcripts); c.756_776dup, p.Arg259_Thr260insAlaAsnAlaGluAlaSerArg (NM_001167989.2); c.735_755dup, p.Arg252_Thr253insAlaAsnAlaGluAlaSerArg (NM_001167990.2); c.459_479dup, p.Arg160_Thr161insAlaAsnAlaGluAlaSerArg (NM_001167992.1); c.474_494dup, p.Arg165_Thr166insAlaAsnAlaGluAlaSerArg (NM_001437502.1, NM_144495.3).
Identifiers: ClinVar variation 5040761 (VCV005040761.1).

ClinVar aggregate classification (germline): Uncertain significance (1 of 4 stars; one submission).

Submission:

CeGaT Center for Human Genetics Tuebingen
Classification: Uncertain significance. Last evaluated: 2026-08-01. Review status: criteria provided, single submitter. Criteria: CeGaT Center For Human Genetics Tuebingen Variant Classification Criteria Version 2. Collection method: clinical testing. Allele origin: germline. Affected: yes. Observed: 1 variant allele.
Comment: PQBP1: PM2, PM4